The following is an entry in ClinVar:

ClinVar aggregate classification (germline): Uncertain significance (1 of 4 stars; one submission).

Conditions:
Severe combined immunodeficiency due to IKK2 deficiency. Also called: Immunodeficiency 15; IMMUNODEFICIENCY 15B. Identifiers: Orphanet 397787, MedGen C4747743, MONDO:0014267, OMIM 615592.

gnomAD v4.1: 3 of 1,595,804 alleles (0.00019%); highest among the groups gnomAD compares: Admixed American, 0.0018%; no homozygotes.

Submission:

Labcorp Genetics (formerly Invitae), Labcorp
Classification: Uncertain significance for Severe combined immunodeficiency due to IKK2 deficiency. Last evaluated: 2025-01-25. Review status: criteria provided, single submitter. Criteria: Invitae Variant Classification Sherloc (09022015). Collection method: clinical testing. Allele origin: germline.
Comment: This sequence change replaces methionine, which is neutral and non-polar, with threonine, which is neutral and polar, at codon 517 of the IKBKB protein (p.Met517Thr). This variant is present in population databases (no rsID available, gnomAD 0.003%). This variant has not been reported in the literature in individuals affected with IKBKB-related conditions. Invitae Evidence Modeling of protein sequence and biophysical properties (such as structural, functional, and spatial information, amino acid conservation, physicochemical variation, residue mobility, and thermodynamic stability) indicates that this missense variant is not expected to disrupt IKBKB protein function with a negative predictive value of 95%. In summary, the available evidence is currently insufficient to determine the role of this variant in disease. Therefore, it has been classified as a Variant of Uncertain Significance.

NM_001556.3(IKBKB):c.1550T>C (p.Met517Thr)

Gene: IKBKB (inhibitor of nuclear factor kappa B kinase subunit beta; plus strand). Cytogenetic location: 8p11.21.
Variant type: single nucleotide variant.
Coding change: c.1550T>C on transcript NM_001556.3 (MANE Select); coding-DNA position 1550, T replaced by C.
Protein change: p.Met517Thr; replaces methionine 517 with threonine.
Molecular consequence: missense variant. On other transcripts: non-coding transcript variant (2).
Genome position (GRCh38, 1-based): chr8:42,319,618, T>C. VCF-style: chr8-42319618-T-C. GRCh37 (hg19) VCF-style: chr8-42177136-T-C.
Other names: c.1358T>C, p.Met453Thr (NM_001190720.3); c.1373T>C, p.Met458Thr (NM_001242778.2); short protein forms M453T, M517T, M458T.
Identifiers: ClinVar variation 3690484 (VCV003690484.2).
Genomic context (GRCh38, chr8:42,319,618, plus strand): 5'-TGTTTTTCCTTCTCAATTTTTTTTCAGCATCAGATAAACTGCTGCTGGCCTGGAGGGAAA[T>C]GGAGCAGGCTGTGGAGCTCTGTGGGCGGGTAGGAGACTCATTTTGGGTTTCGGAACTTAC-3'
Protein context (NP_001547.1, residues 507-527): SDKLLLAWRE[Met517Thr]EQAVELCGRE